The following is an entry in ClinVar:

NM_004304.5(ALK):c.2331G>T (p.Gln777His)

Gene: ALK (ALK receptor tyrosine kinase; minus strand). Cytogenetic location: 2p23.2.
Variant type: single nucleotide variant.
Coding change: c.2331G>T on transcript NM_004304.5 (MANE Select); coding-DNA position 2331, G replaced by T.
Protein change: p.Gln777His; replaces glutamine 777 with histidine.
Molecular consequence: missense variant.
Genome position (GRCh38, 1-based): chr2:29,239,704, C>A on the plus strand (G>T on the coding strand, the complement: ALK is on the minus strand). VCF-style: chr2-29239704-C-A. GRCh37 (hg19) VCF-style: chr2-29462570-C-A.
Other names: c.2331G>T (NM_004304.4); short protein forms Q777H.
Identifiers: ClinVar variation 1370692 (VCV001370692.9), dbSNP rs2148188686, ClinGen allele CA346474267.
Genomic context (GRCh38, chr2:29,239,704, plus strand): 5'-GAGTGCAGACGAGAAACCCCTGCTCTGGGCACTTACACTGGGGCAGGCGTCCTCTCCCTG[C>A]TGCCCAACCAGGATGTACAGCATGTCATCCTTCTCCAGGTTGAAGATGCCCAGCACAGAC-3'
Protein context (NP_004295.2, residues 767-787): KDDMLYILVG[Gln777His]QGEDACPSTN

ClinVar aggregate classification (germline): Uncertain significance. Review status: criteria provided, multiple submitters, no conflicts (2 of 4 stars). 2 submissions from 2 submitters: Uncertain significance (2). Last evaluated 2025-08-25.

Conditions:
Hereditary cancer-predisposing syndrome. Also called: Hereditary neoplastic syndrome; Hereditary Cancer Syndrome; Neoplastic Syndromes, Hereditary; Tumor predisposition. Identifiers: Orphanet 140162, MedGen C0027672, MeSH D009386, MONDO:0015356.
Neuroblastoma, susceptibility to, 3. Also called: ALK-Related Neuroblastic Tumor Susceptibility. Identifiers: Orphanet 635, MedGen C2751681, MONDO:0013083, OMIM 613014.

gnomAD v4.1: 2 of 1,614,008 alleles (0.00012%); highest among the groups gnomAD compares: African/African-American, 0.0013%; no homozygotes.

Submissions (2):

Ambry Genetics
Classification: Uncertain significance for Hereditary cancer-predisposing syndrome. Last evaluated: 2025-08-25. Review status: criteria provided, single submitter. Criteria: Ambry Variant Classification Scheme 2023. Collection method: clinical testing. Allele origin: germline.
Comment: The p.Q777H variant (also known as c.2331G>T), located in coding exon 13 of the ALK gene, results from a G to T substitution at nucleotide position 2331. The glutamine at codon 777 is replaced by histidine, an amino acid with highly similar properties. This amino acid position is conserved. In addition, this alteration is predicted to be tolerated by in silico analysis. Based on the available evidence, the clinical significance of this variant remains unclear.

Labcorp Genetics (formerly Invitae), Labcorp
Classification: Uncertain significance for Neuroblastoma, susceptibility to, 3. Last evaluated: 2025-07-30. Review status: criteria provided, single submitter. Criteria: Invitae Variant Classification Sherloc (09022015). Collection method: clinical testing. Allele origin: germline.
Comment: This sequence change replaces glutamine, which is neutral and polar, with histidine, which is basic and polar, at codon 777 of the ALK protein (p.Gln777His). This variant is not present in population databases (gnomAD no frequency). This variant has not been reported in the literature in individuals affected with ALK-related conditions. ClinVar contains an entry for this variant (Variation ID: 1370692). An algorithm developed to predict the effect of missense changes on protein structure and function (PolyPhen-2) suggests that this variant is likely to be disruptive. In summary, the available evidence is currently insufficient to determine the role of this variant in disease. Therefore, it has been classified as a Variant of Uncertain Significance.